The following is an entry in ClinVar:

ClinVar aggregate classification (germline): Uncertain significance (1 of 4 stars; one submission).

Conditions:
Brugada syndrome 4 (BRGDA4). Identifiers: Orphanet 130, MedGen C2678477, MONDO:0012743, OMIM 611876.

Submission:

Labcorp Genetics (formerly Invitae), Labcorp
Classification: Uncertain significance for Brugada syndrome 4. Last evaluated: 2024-10-17. Review status: criteria provided, single submitter. Criteria: Invitae Variant Classification Sherloc (09022015). Collection method: clinical testing. Allele origin: germline.
Comment: This sequence change creates a premature translational stop signal (p.Thr491Glnfs*24) in the CACNB2 gene. While this is not anticipated to result in nonsense mediated decay, it is expected to disrupt the last 116 amino acid(s) of the CACNB2 protein. This variant is not present in population databases (gnomAD no frequency). This variant has not been reported in the literature in individuals affected with CACNB2-related conditions. In summary, the available evidence is currently insufficient to determine the role of this variant in disease. Therefore, it has been classified as a Variant of Uncertain Significance.

NM_201596.3(CACNB2):c.1632del (p.Thr545fs)

Gene: CACNB2 (calcium voltage-gated channel auxiliary subunit beta 2; plus strand). Cytogenetic location: 10p12.31.
Variant type: Deletion.
Coding change: c.1632del on transcript NM_201596.3 (MANE Select); coding-DNA position 1632, one base deleted (G; older notation c.1632delG).
Protein change: p.Thr545fs; shifts the reading frame from threonine 545.
Molecular consequence: frameshift variant.
Genome position (GRCh38, 1-based): chr10:18,539,373, G deleted; the last of 3 consecutive G bases (chr10:18,539,371-18,539,373); deleting any one gives the same sequence. VCF-style (leftmost placement, unchanged base first): chr10-18539370-TG-T. GRCh37 (hg19) VCF-style: chr10-18828299-TG-T.
Other names: c.1467del, p.Thr490fs (NM_000724.4); c.1434del, p.Thr479fs (NM_001167945.2); c.1353del, p.Thr452fs (NM_001330060.2); c.1374del, p.Thr459fs (NM_001410882.1); c.1488del, p.Thr497fs (NM_201570.3); c.1548del, p.Thr517fs (NM_201571.4); c.1476del, p.Thr493fs (NM_201572.4); c.1470del, p.Thr491fs (NM_201590.3); and 2 more; short protein forms T452fs, T459fs, T479fs, T497fs, T545fs, T507fs, T517fs, T521fs.
Identifiers: ClinVar variation 3711063 (VCV003711063.2).